The following is an entry in ClinVar:

ClinVar aggregate classification (germline): Conflicting classifications of pathogenicity. Review status: criteria provided, conflicting classifications (1 of 4 stars). 2 submissions from 2 submitters: Uncertain significance (1); Likely benign (1). Last evaluated 2025-07-23.

Conditions:
Familial sleep-related hypermotor epilepsy. Also called: Autosomal Dominant Sleep-Related Hypermotor (Hyperkinetic) Epilepsy. Identifiers: Orphanet 98784, MedGen C3696898, MONDO:0000030.

Allele frequency attached by ClinVar (database versions not stated): gnomAD 0.00001 and below 0.00001; TOPMed 0.00001.
gnomAD v4.1: 24 of 1,612,330 alleles (0.0015%); highest among the groups gnomAD compares: Middle Eastern, 0.016%; no homozygotes.

Submissions (2):

Labcorp Genetics (formerly Invitae), Labcorp
Classification: Likely benign. Last evaluated: 2025-07-23. Review status: criteria provided, single submitter. Criteria: Invitae Variant Classification Sherloc (09022015). Collection method: clinical testing. Allele origin: germline.

GeneDx
Classification: Uncertain significance. Last evaluated: 2016-10-28. Review status: criteria provided, single submitter. Criteria: GeneDx Variant Classification (06012015). Collection method: clinical testing. Allele origin: germline. Affected: yes.
Comment: A variant of uncertain significance has been identified in the CHRNA4 gene. The P556L variant has not been published as a pathogenic variant, nor has it been reported as a benign variant to our knowledge. It was not observed in approximately 6,500 individuals of European and African American ancestry in the NHLBI Exome Sequencing Project, indicating it is not a common benign variant in these populations. The P556L variant is a semi-conservative amino acid substitution, which may impact secondary protein structure as these residues differ in some properties. However, this substitution occurs at a position that is not conserved and in silico analysis predicts this variant likely does not alter the protein structure/function. Additionally, this amino acid substitution is not predicted to occur within the transmembrane region of the protein, where the vast majority of pathogenic missense variants have been identified in association with epilepsy (Steinlein et al., 2010). Therefore, based on the currently available information, it is unclear whether this variant is a pathogenic variant or a rare benign variant.

NM_000744.7(CHRNA4):c.1667C>T (p.Pro556Leu)

Gene: CHRNA4 (cholinergic receptor nicotinic alpha 4 subunit; minus strand). Cytogenetic location: 20q13.33.
Variant type: single nucleotide variant.
Coding change: c.1667C>T on transcript NM_000744.7 (MANE Select); coding-DNA position 1667, C replaced by T.
Protein change: p.Pro556Leu; replaces proline 556 with leucine.
Molecular consequence: missense variant. On other transcripts: non-coding transcript variant (1).
Genome position (GRCh38, 1-based): chr20:63,349,744, G>A on the plus strand (C>T on the coding strand, the complement: CHRNA4 is on the minus strand). VCF-style: chr20-63349744-G-A. GRCh37 (hg19) VCF-style: chr20-61981096-G-A.
Other names: c.1139C>T, p.Pro380Leu (NM_001256573.2); short protein forms P556L, P380L.
Identifiers: ClinVar variation 422587 (VCV000422587.11), dbSNP rs77345643, ClinGen allele CA9957555.